The following is an entry in ClinVar:

NM_001145319.2(PLS1):c.962T>C (p.Ile321Thr)

Gene: PLS1 (plastin 1; plus strand). Cytogenetic location: 3q23.
Variant type: single nucleotide variant.
Coding change: c.962T>C on transcript NM_001145319.2 (MANE Select); coding-DNA position 962, T replaced by C.
Protein change: p.Ile321Thr; replaces isoleucine 321 with threonine.
Molecular consequence: missense variant.
Genome position (GRCh38, 1-based): chr3:142,686,357, T>C. VCF-style: chr3-142686357-T-C. GRCh37 (hg19) VCF-style: chr3-142405199-T-C.
Other names: c.962T>C, p.Ile321Thr (NM_001172312.2, NM_002670.3); c.962T>C (NM_001145319.1); short protein forms I321T.
Identifiers: ClinVar variation 2476477 (VCV002476477.3), dbSNP rs768773203, ClinGen allele CA2651181.

ClinVar aggregate classification (germline): Uncertain significance. Review status: criteria provided, multiple submitters, no conflicts (2 of 4 stars). 2 submissions from 2 submitters: Uncertain significance (2). Last evaluated 2023-09-25.

Conditions:
Inborn genetic diseases. Identifiers: MedGen C0950123, MeSH D030342.
PLS1-related disorder. Also called: PLS1-related condition.

Allele frequency attached by ClinVar (database versions not stated): ExAC 0.00001; gnomAD 0.00001; TOPMed 0.00003; gnomAD exomes 0.00005.
gnomAD v4.1: 77 of 1,605,262 alleles (0.0048%); highest among the groups gnomAD compares: Non-Finnish European, 0.0057%; no homozygotes.

Submissions (2):

PreventionGenetics, part of Exact Sciences
Classification: Uncertain significance for PLS1-related condition. Last evaluated: 2023-09-25. Review status: criteria provided, single submitter. Criteria: ACMG Guidelines, 2015. Collection method: clinical testing. Allele origin: germline.
Comment: The PLS1 c.962T>C variant is predicted to result in the amino acid substitution p.Ile321Thr. To our knowledge, this variant has not been reported in the literature. This variant is reported in 0.0062% of alleles in individuals of African descent in gnomAD. At this time, the clinical significance of this variant is uncertain due to the absence of conclusive functional and genetic evidence.

Ambry Genetics
Classification: Uncertain significance for Inborn genetic diseases. Last evaluated: 2023-01-18. Review status: criteria provided, single submitter. Criteria: Ambry Variant Classification Scheme 2023. Collection method: clinical testing. Allele origin: germline.